The following is an entry in ClinVar:

ClinVar aggregate classification (germline): Uncertain significance (1 of 4 stars; one submission).

Conditions:
Inborn genetic diseases. Identifiers: MedGen C0950123, MeSH D030342.

Submission:

Ambry Genetics
Classification: Uncertain significance for Inborn genetic diseases. Last evaluated: 2024-12-10. Review status: criteria provided, single submitter. Criteria: Ambry Variant Classification Scheme 2023. Collection method: clinical testing. Allele origin: germline.
Comment: The p.Q930H variant (also known as c.2790A>C), located in coding exon 29 of the FANCA gene, results from an A to C substitution at nucleotide position 2790. The glutamine at codon 930 is replaced by histidine, an amino acid with highly similar properties. This amino acid position is conserved. In addition, this alteration is predicted to be tolerated by in silico analysis. Based on the available evidence, the clinical significance of this variant remains unclear.

NM_000135.4(FANCA):c.2790A>C (p.Gln930His)

Gene: FANCA (FA complementation group A; minus strand). Cytogenetic location: 16q24.3.
Variant type: single nucleotide variant.
Coding change: c.2790A>C on transcript NM_000135.4 (MANE Select); coding-DNA position 2790, A replaced by C.
Protein change: p.Gln930His; replaces glutamine 930 with histidine.
Molecular consequence: missense variant.
Genome position (GRCh38, 1-based): chr16:89,762,011, T>G on the plus strand (A>C on the coding strand, the complement: FANCA is on the minus strand). VCF-style: chr16-89762011-T-G. GRCh37 (hg19) VCF-style: chr16-89828419-T-G.
Other names: c.2790A>C, p.Gln930His (NM_001286167.3); short protein forms Q930H.
Identifiers: ClinVar variation 3512736 (VCV003512736.1).
Genomic context (GRCh38, chr16:89,762,011, plus strand): 5'-TTCAGTATCTGAAAGAGCATCAGCTTCAGGTTGAATTTCCAGCTCCAGGTGTAACCAGTC[T>G]TGGTAAGTTAACTGAGAAAGAGAGCAAGCAATTCAATACAATGAGGACAGAACACACAAT-3'
Protein context (NP_000126.2, residues 920-940): LKEEDVHLTY[Gln930His]DWLHLELEIQ